The following is an entry in ClinVar:

NM_000465.4(BARD1):c.1467C>A (p.Thr489=)

Gene: BARD1 (BRCA1 associated RING domain 1; minus strand). Cytogenetic location: 2q35.
Variant type: single nucleotide variant.
Coding change: c.1467C>A on transcript NM_000465.4 (MANE Select); coding-DNA position 1467, C replaced by A.
Protein change: p.Thr489=; no amino-acid change (threonine 489 retained).
Molecular consequence: synonymous variant. On other transcripts: non-coding transcript variant (3), intron variant (3).
Genome position (GRCh38, 1-based): chr2:214,767,583, G>T on the plus strand (C>A on the coding strand, the complement: BARD1 is on the minus strand). VCF-style: chr2-214767583-G-T. GRCh37 (hg19) VCF-style: chr2-215632307-G-T.
Other names: c.1410C>A, p.Thr470= (NM_001282543.2); c.159-15028C>A (NM_001282548.2); c.216-15028C>A (NM_001282545.2); c.364+24714C>A (NM_001282549.2).
Identifiers: ClinVar variation 2814027 (VCV002814027.4), dbSNP rs1694271621, ClinGen allele CA431129540.

ClinVar aggregate classification (germline): Benign/Likely benign. Review status: criteria provided, multiple submitters, no conflicts (2 of 4 stars). 2 submissions from 2 submitters: Benign (1); Likely benign (1). Last evaluated 2024-07-25.

Conditions:
Familial cancer of breast. Also called: BREAST CANCER, FAMILIAL; hereditary breast carcinoma; Hereditary breast cancer. Identifiers: Orphanet 227535, MedGen C0346153, MONDO:0016419, OMIM 114480. Disease mechanism: loss of function.

Submissions (2):

Myriad Genetics, Inc.
Classification: Benign for Familial cancer of breast. Last evaluated: 2024-07-25. Review status: criteria provided, single submitter. Criteria: Myriad Autosomal Dominant, Autosomal Recessive and X-Linked Classification Criteria (2023). Collection method: clinical testing. Allele origin: unknown.
Comment: This variant is considered benign. This variant is a silent/synonymous amino acid change and it is not expected to impact splicing.

Labcorp Genetics (formerly Invitae), Labcorp
Classification: Likely benign for Familial cancer of breast. Last evaluated: 2022-11-14. Review status: criteria provided, single submitter. Criteria: Invitae Variant Classification Sherloc (09022015). Collection method: clinical testing. Allele origin: germline.